The following is an entry in ClinVar:

ClinVar aggregate classification (germline): Uncertain significance. Review status: criteria provided, multiple submitters, no conflicts (2 of 4 stars). 3 submissions from 3 submitters: Uncertain significance (3). Last evaluated 2024-02-04.

Conditions:
Cardiovascular phenotype. Identifiers: MedGen CN230736.
Arrhythmogenic cardiomyopathy with wooly hair and keratoderma. Also called: PALMOPLANTAR KERATODERMA WITH LEFT VENTRICULAR CARDIOMYOPATHY AND WOOLLY HAIR; Arrhythmogenic cardiomyopathy with woolly hair and keratoderma; Dilated cardiomyopathy with woolly hair and keratoderma; Carvajal syndrome. Identifiers: Orphanet 65282, MedGen C1854063, MONDO:0011581, OMIM 605676.
Arrhythmogenic right ventricular dysplasia 8 (ARVD8). Also called: Arrhythmogenic Right Ventricular Dysplasia/Cardiomyopathy 8; ARRHYTHMOGENIC RIGHT VENTRICULAR DYSPLASIA, FAMILIAL, 8; ARRHYTHMOGENIC RIGHT VENTRICULAR CARDIOMYOPATHY 8. Identifiers: MedGen C1843896, MONDO:0011831, OMIM 607450.

Allele frequency attached by ClinVar (database versions not stated): gnomAD exomes below 0.00001.
gnomAD v4.1: 1 of 1,614,108 alleles (0.000062%); highest among the groups gnomAD compares: Non-Finnish European, 0.000085%; no homozygotes.

Submissions (3):

Labcorp Genetics (formerly Invitae), Labcorp
Classification: Uncertain significance for Arrhythmogenic cardiomyopathy with wooly hair and keratoderma; Arrhythmogenic right ventricular dysplasia 8. Last evaluated: 2024-02-04. Review status: criteria provided, single submitter. Criteria: Invitae Variant Classification Sherloc (09022015). Collection method: clinical testing. Allele origin: germline.
Comment: This sequence change replaces glutamic acid, which is acidic and polar, with lysine, which is basic and polar, at codon 665 of the DSP protein (p.Glu665Lys). This variant is not present in population databases (gnomAD no frequency). This variant has not been reported in the literature in individuals affected with DSP-related conditions. ClinVar contains an entry for this variant (Variation ID: 1376568). An algorithm developed to predict the effect of missense changes on protein structure and function (PolyPhen-2) suggests that this variant is likely to be tolerated. In summary, the available evidence is currently insufficient to determine the role of this variant in disease. Therefore, it has been classified as a Variant of Uncertain Significance.

All of Us Research Program, National Institutes of Health
Classification: Uncertain significance for Arrhythmogenic cardiomyopathy with wooly hair and keratoderma. Last evaluated: 2023-09-04. Review status: criteria provided, single submitter. Criteria: ACMG Guidelines, 2015. Collection method: clinical testing. Allele origin: germline. Inheritance: Autosomal dominant inheritance. Observed: 1 variant allele, 1 heterozygote.
Comment: This missense variant replaces glutamic acid with lysine at codon 665 of the DSP protein. Computational prediction suggests that this variant may not impact protein structure and function (internally defined REVEL score threshold <= 0.5, PMID: 27666373). To our knowledge, functional studies have not been reported for this variant. This variant has not been reported in individuals affected with DSP-related disorders in the literature. This variant has not been identified in the general population by the Genome Aggregation Database (gnomAD). The available evidence is insufficient to determine the role of this variant in disease conclusively. Therefore, this variant is classified as a Variant of Uncertain Significance.

This study involves interpretation of variants in research participants for the purpose of population health screening. Participant phenotype was not available at the time of variant classification. Additional details can be found in publication PMID: 35346344, PMCID: PMC8962531

Ambry Genetics
Classification: Uncertain significance for Cardiovascular phenotype. Last evaluated: 2023-01-19. Review status: criteria provided, single submitter. Criteria: Ambry Variant Classification Scheme 2023. Collection method: clinical testing. Allele origin: germline.
Comment: The p.E665K variant (also known as c.1993G>A), located in coding exon 15 of the DSP gene, results from a G to A substitution at nucleotide position 1993. The glutamic acid at codon 665 is replaced by lysine, an amino acid with similar properties. This amino acid position is conserved. In addition, the in silico prediction for this alteration is inconclusive. Since supporting evidence is limited at this time, the clinical significance of this alteration remains unclear.

NM_004415.4(DSP):c.1993G>A (p.Glu665Lys)

Gene: DSP (desmoplakin; plus strand). Cytogenetic location: 6p24.3.
Variant type: single nucleotide variant.
Coding change: c.1993G>A on transcript NM_004415.4 (MANE Select); coding-DNA position 1993, G replaced by A.
Protein change: p.Glu665Lys; replaces glutamic acid 665 with lysine.
Molecular consequence: missense variant.
Genome position (GRCh38, 1-based): chr6:7,571,931, G>A. VCF-style: chr6-7571931-G-A. GRCh37 (hg19) VCF-style: chr6-7572164-G-A.
Other names: c.1993G>A (NM_004415.2); c.1993G>A, p.Glu665Lys (NM_001008844.3, NM_001319034.2); short protein forms E665K.
Identifiers: ClinVar variation 1376568 (VCV001376568.8), dbSNP rs2113679925, ClinGen allele CA362680319.